The following is an entry in ClinVar:

NM_000199.5(SGSH):c.1327C>T (p.Arg443Trp)

Gene: SGSH (N-sulfoglucosamine sulfohydrolase; minus strand). Cytogenetic location: 17q25.3.
Variant type: single nucleotide variant.
Coding change: c.1327C>T on transcript NM_000199.5 (MANE Select); coding-DNA position 1327, C replaced by T.
Protein change: p.Arg443Trp; replaces arginine 443 with tryptophan.
Molecular consequence: missense variant. On other transcripts: 3 prime UTR variant (2), non-coding transcript variant (1).
Genome position (GRCh38, 1-based): chr17:80,210,634, G>A on the plus strand (C>T on the coding strand, the complement: SGSH is on the minus strand). VCF-style: chr17-80210634-G-A. GRCh37 (hg19) VCF-style: chr17-78184433-G-A.
Other names: c.*414C>T (NM_001352921.3); c.*377C>T (NM_001352922.2); short protein forms R443W.
Identifiers: ClinVar variation 1879384 (VCV001879384.31), dbSNP rs765758095, ClinGen allele CA8817610.
Genomic context (GRCh38, chr17:80,210,634, plus strand): 5'-TCTCCAGAAGCTGAGCAAAGCGCGGGTCGGTGGCCAGGTTCTGGGTCTCGTGGGGGTCCC[G>A]GCTCCGGTCGTAGAGCTCCCAGCGCGCCCGGTAGTAGTAATGACGGAGGTCCTTGTACCA-3'
Protein context (NP_000190.1, residues 433-453): RARWELYDRS[Arg443Trp]DPHETQNLAT

ClinVar aggregate classification (germline): Uncertain significance. Review status: criteria provided, multiple submitters, no conflicts (2 of 4 stars). 2 submissions from 2 submitters: Uncertain significance (2). Last evaluated 2022-10-24.

Conditions:
Mucopolysaccharidosis, MPS-III-A (MPS3A). Also called: Mucopolysaccharidosis, type IIIA; HEPARAN SULFATE SULFATASE DEFICIENCY; Mucopolysaccharidosis type IIIA (Sanfilippo A); SANFILIPPO SYNDROME A; SULFAMIDASE DEFICIENCY; MPS III A. Identifiers: Orphanet 581, Orphanet 79269, MedGen C0086647, MONDO:0009655, OMIM 252900.

Allele frequency attached by ClinVar (database versions not stated): gnomAD 0.00003; gnomAD exomes 0.00003; TOPMed 0.00004; ExAC 0.00006.
gnomAD v4.1: 49 of 1,613,758 alleles (0.003%); highest among the groups gnomAD compares: Middle Eastern, 0.016%; no homozygotes.

Submissions (2):

Labcorp Genetics (formerly Invitae), Labcorp
Classification: Uncertain significance for Mucopolysaccharidosis, MPS-III-A. Last evaluated: 2022-10-24. Review status: criteria provided, single submitter. Criteria: Invitae Variant Classification Sherloc (09022015). Collection method: clinical testing. Allele origin: germline.
Comment: This sequence change replaces arginine, which is basic and polar, with tryptophan, which is neutral and slightly polar, at codon 443 of the SGSH protein (p.Arg443Trp). This variant is present in population databases (rs765758095, gnomAD 0.006%). This variant has not been reported in the literature in individuals affected with SGSH-related conditions. Advanced modeling of protein sequence and biophysical properties (such as structural, functional, and spatial information, amino acid conservation, physicochemical variation, residue mobility, and thermodynamic stability) has been performed at Invitae for this missense variant, however the output from this modeling did not meet the statistical confidence thresholds required to predict the impact of this variant on SGSH protein function. In summary, the available evidence is currently insufficient to determine the role of this variant in disease. Therefore, it has been classified as a Variant of Uncertain Significance.

CeGaT Center for Human Genetics Tuebingen
Classification: Uncertain significance. Last evaluated: 2022-10-01. Review status: criteria provided, single submitter. Criteria: CeGaT Center For Human Genetics Tuebingen Variant Classification Criteria Version 2. Collection method: clinical testing. Allele origin: germline. Affected: yes. Observed: 1 variant allele.
Comment: SGSH: PM2